The following is an entry in ClinVar:

ClinVar aggregate classification (germline): Uncertain significance (1 of 4 stars; one submission).

Submission:

GeneDx
Classification: Uncertain significance. Last evaluated: 2023-06-22. Review status: criteria provided, single submitter. Criteria: GeneDx Variant Classification Process June 2021. Collection method: clinical testing. Allele origin: germline. Affected: yes.
Comment: Not observed at significant frequency in large population cohorts (gnomAD); In silico analysis supports that this missense variant does not alter protein structure/function; Has not been previously published as pathogenic or benign to our knowledge

NM_001042475.3(CEP85L):c.511G>A (p.Gly171Ser)

Gene: CEP85L (centrosomal protein 85 like; minus strand). Cytogenetic location: 6q22.31.
Variant type: single nucleotide variant.
Coding change: c.511G>A on transcript NM_001042475.3 (MANE Select); coding-DNA position 511, G replaced by A.
Protein change: p.Gly171Ser; replaces glycine 171 with serine.
Molecular consequence: missense variant.
Genome position (GRCh38, 1-based): chr6:118,566,038, C>T on the plus strand (G>A on the coding strand, the complement: CEP85L is on the minus strand). VCF-style: chr6-118566038-C-T. GRCh37 (hg19) VCF-style: chr6-118887201-C-T.
Other names: c.520G>A, p.Gly174Ser (NM_001178035.2); c.511G>A, p.Gly171Ser (NM_206921.3); short protein forms G171S, G174S.
Identifiers: ClinVar variation 3360289 (VCV003360289.1).